The following is an entry in ClinVar:

ClinVar aggregate classification (germline): Uncertain significance (1 of 4 stars; one submission).

Conditions:
Idiopathic generalized epilepsy. Also called: EIG; Generalised epilepsy. Identifiers: MedGen C0270850, MONDO:0005579, OMIM 600669.
Epilepsy, childhood absence 4 (ECA4). Also called: EPILEPSY, CHILDHOOD ABSENCE, SUSCEPTIBILITY TO, 4. Identifiers: Orphanet 307, MedGen C1970160.
Epilepsy, idiopathic generalized, susceptibility to, 13. Also called: EPILEPSY, JUVENILE MYOCLONIC, SUSCEPTIBILITY TO, 5. Identifiers: Orphanet 307, Orphanet 64280, MedGen C4013473, MONDO:0012627, OMIM 611136.

Submission:

Labcorp Genetics (formerly Invitae), Labcorp
Classification: Uncertain significance for Epilepsy, childhood absence 4; Epilepsy, idiopathic generalized, susceptibility to, 13; Idiopathic generalized epilepsy. Last evaluated: 2024-09-23. Review status: criteria provided, single submitter. Criteria: Invitae Variant Classification Sherloc (09022015). Collection method: clinical testing. Allele origin: germline.
Comment: This variant, c.1354_1356dup, results in the insertion of 1 amino acid(s) of the GABRA1 protein (p.Pro452dup), but otherwise preserves the integrity of the reading frame. This variant is not present in population databases (gnomAD no frequency). This variant has not been reported in the literature in individuals affected with GABRA1-related conditions. ClinVar contains an entry for this variant (Variation ID: 963369). Experimental studies and prediction algorithms are not available or were not evaluated, and the functional significance of this variant is currently unknown. In summary, the available evidence is currently insufficient to determine the role of this variant in disease. Therefore, it has been classified as a Variant of Uncertain Significance.

NM_001127644.2(GABRA1):c.1354_1356dup (p.Pro452dup)

Gene: GABRA1 (gamma-aminobutyric acid type A receptor subunit alpha1; plus strand). Cytogenetic location: 5q34.
Variant type: Duplication.
Coding change: c.1354_1356dup on transcript NM_001127644.2 (MANE Select); coding-DNA positions 1354 to 1356, 3 bases duplicated (CCC; older notation c.1354_1356dupCCC).
Protein change: p.Pro452dup; duplicates proline 452.
Molecular consequence: inframe insertion.
Genome position (GRCh38, 1-based): chr5:161,897,405-161,897,407, CCC duplicated; duplicating any 3 consecutive bases within chr5:161,897,403-161,897,407 gives the same sequence; the c. name uses the placement nearest the transcript's 3' end. VCF-style (leftmost placement, unchanged base first): chr5-161897402-G-GCCC. GRCh37 (hg19) VCF-style: chr5-161324408-G-GCCC.
Other names: c.1354_1356dup, p.Pro452dup (NM_000806.5, NM_001127643.2, NM_001127645.2 and 1 more transcripts).
Identifiers: ClinVar variation 963369 (VCV000963369.7), dbSNP rs1755419468, ClinGen allele CA1139659149.